The following is an entry in ClinVar:

ClinVar aggregate classification (germline): Pathogenic (1 of 4 stars; one submission).

Conditions:
Fanconi anemia (FA). Also called: Fanconi's anemia. Identifiers: Orphanet 84, MedGen C0015625, MeSH D005199, MONDO:0019391.

Submission:

Labcorp Genetics (formerly Invitae), Labcorp
Classification: Pathogenic for Fanconi anemia. Last evaluated: 2022-10-04. Review status: criteria provided, single submitter. Criteria: Invitae Variant Classification Sherloc (09022015). Collection method: clinical testing. Allele origin: unknown.
Comment: For these reasons, this variant has been classified as Pathogenic. The region of the FANCA gene that includes exon(s) 30 has been determined to be clinically significant (PMID: 10094191, 15523645, 17924555). Therefore, deletions that encompass that region are likely to be disease-causing. This variant has not been reported in the literature in individuals affected with FANCA-related conditions. This variant is a gross deletion of the genomic region encompassing exon(s) 18-33 of the FANCA gene. This variant would be expected to be in-frame, preserving the integrity of the reading frame.

Literature cited by the submitters: PubMed 10094191; PubMed 15523645; PubMed 17924555.

NC_000016.9:g.(?_89815057)_(89846375_?)del

Gene: FANCA (FA complementation group A; minus strand). Cytogenetic location: 16q24.3.
Variant type: Deletion.
Identifiers: ClinVar variation 3243255 (VCV003243255.1).